The following is an entry in ClinVar:

NM_177438.3(DICER1):c.159A>C (p.Glu53Asp)

Gene: DICER1 (dicer 1, ribonuclease III; minus strand). Cytogenetic location: 14q32.13.
Variant type: single nucleotide variant.
Coding change: c.159A>C on transcript NM_177438.3 (MANE Select); coding-DNA position 159, A replaced by C.
Protein change: p.Glu53Asp; replaces glutamic acid 53 with aspartic acid.
Molecular consequence: missense variant. On other transcripts: 5 prime UTR variant (9), non-coding transcript variant (6).
Genome position (GRCh38, 1-based): chr14:95,132,663, T>G on the plus strand (A>C on the coding strand, the complement: DICER1 is on the minus strand). VCF-style: chr14-95132663-T-G. GRCh37 (hg19) VCF-style: chr14-95599000-T-G.
Other names: c.159A>C, p.Glu53Asp (NM_001395679.1, NM_001395680.1, NM_001395682.1 and 14 more transcripts); c.-116A>C (NM_001395686.1, NM_001395687.1, NM_001395688.1 and 4 more transcripts); c.-300A>C (NM_001395691.1); c.-1410A>C (NM_001395697.1); short protein forms E53D.
Identifiers: ClinVar variation 4240515 (VCV004240515.1).
Genomic context (GRCh38, chr14:95,132,663, plus strand): 5'-AATAAATGTCTTCCCTGAGCCAGTGTTTAAACAGACGATGGTATTATGATCCAGAGCTGC[T>G]TCAAGCAGTTCAACCTAGAAACATGGTGAAAAAAAAGTTATGCACTTCTTACCTAAGTAC-3'
Protein context (NP_803187.1, residues 43-63): TPRKYQVELL[Glu53Asp]AALDHNTIVC

ClinVar aggregate classification (germline): Uncertain significance (1 of 4 stars; one submission).

Conditions:
Hereditary cancer-predisposing syndrome. Also called: Hereditary Cancer Syndrome; Hereditary neoplastic syndrome; Neoplastic Syndromes, Hereditary; Tumor predisposition. Identifiers: Orphanet 140162, MedGen C0027672, MeSH D009386, MONDO:0015356.

Submission:

Ambry Genetics
Classification: Uncertain significance for Hereditary cancer-predisposing syndrome. Last evaluated: 2025-08-02. Review status: criteria provided, single submitter. Criteria: Ambry Variant Classification Scheme 2023. Collection method: clinical testing. Allele origin: germline.
Comment: The p.E53D variant (also known as c.159A>C), located in coding exon 2 of the DICER1 gene, results from an A to C substitution at nucleotide position 159. The glutamic acid at codon 53 is replaced by aspartic acid, an amino acid with highly similar properties. This amino acid position is conserved. In addition, the in silico prediction for this alteration is inconclusive. Based on the available evidence, the clinical significance of this variant remains unclear.